The following is an entry in ClinVar:

ClinVar aggregate classification (germline): Likely benign (1 of 4 stars; one submission).

Allele frequency attached by ClinVar (database versions not stated): ExAC 0.00085; 1000 Genomes Project 0.00140; 1000 Genomes Project 30x 0.00312.

Submission:

CeGaT Center for Human Genetics Tuebingen
Classification: Likely benign. Last evaluated: 2026-04-01. Review status: criteria provided, single submitter. Criteria: CeGaT Center For Human Genetics Tuebingen Variant Classification Criteria Version 2. Collection method: clinical testing. Allele origin: germline. Affected: yes. Observed: 3 variant alleles.
Comment: AHNAK2: BP4, BP7

NM_138420.4(AHNAK2):c.3123G>C (p.Leu1041=)

Gene: AHNAK2 (AHNAK nucleoprotein 2; minus strand). Cytogenetic location: 14q32.33.
Variant type: single nucleotide variant.
Coding change: c.3123G>C on transcript NM_138420.4 (MANE Select); coding-DNA position 3123, G replaced by C.
Protein change: p.Leu1041=; no amino-acid change (leucine 1041 retained).
Molecular consequence: synonymous variant.
Genome position (GRCh38, 1-based): chr14:104,952,328, C>G on the plus strand (G>C on the coding strand, the complement: AHNAK2 is on the minus strand). VCF-style: chr14-104952328-C-G. GRCh37 (hg19) VCF-style: chr14-105418665-C-G.
Other names: c.2823G>C, p.Leu941= (NM_001350929.2).
Identifiers: ClinVar variation 2644862 (VCV002644862.24), dbSNP rs535311523, ClinGen allele CA7383221.